The following is an entry in ClinVar:

ClinVar aggregate classification (germline): Uncertain significance. Review status: criteria provided, single submitter (1 of 4 stars). 2 submissions from 2 submitters: Uncertain significance (1). 1 of the submissions does not count toward it. Last evaluated 2021-08-31.

Conditions:
Citrin deficiency. Identifiers: Orphanet 247582, MedGen C1997910, MONDO:0016602.
Citrullinemia. Identifiers: Orphanet 187, MedGen C0175683, MONDO:0015991.

Allele frequency attached by ClinVar (database versions not stated): gnomAD exomes below 0.00001 and 0.00001.
gnomAD v4.1: 6 of 1,608,190 alleles (0.00037%); highest among the groups gnomAD compares: Admixed American, 0.0084%; no homozygotes.

Submissions (2):

Labcorp Genetics (formerly Invitae), Labcorp
Classification: Uncertain significance for Citrin deficiency. Last evaluated: 2021-08-31. Review status: criteria provided, single submitter. Criteria: Invitae Variant Classification Sherloc (09022015). Collection method: clinical testing. Allele origin: germline.
Comment: This sequence change replaces valine with alanine at codon 58 of the SLC25A13 protein (p.Val58Ala). The valine residue is moderately conserved and there is a small physicochemical difference between valine and alanine. This variant is not present in population databases (ExAC no frequency). This variant has not been reported in the literature in individuals affected with SLC25A13-related conditions. Algorithms developed to predict the effect of missense changes on protein structure and function are either unavailable or do not agree on the potential impact of this missense change (SIFT: "Deleterious"; PolyPhen-2: "Benign"; Align-GVGD: "Class C0"). In summary, the available evidence is currently insufficient to determine the role of this variant in disease. Therefore, it has been classified as a Variant of Uncertain Significance.

Natera, Inc.
Classification: Uncertain significance for Citrullinemia. Last evaluated: 2020-02-25. Review status: no assertion criteria provided. Collection method: clinical testing. Allele origin: germline. Not counted in ClinVar's aggregate classification.

NM_014251.3(SLC25A13):c.173T>C (p.Val58Ala)

Gene: SLC25A13 (solute carrier family 25 member 13; minus strand). Cytogenetic location: 7q21.3.
Variant type: single nucleotide variant.
Coding change: c.173T>C on transcript NM_014251.3 (MANE Select); coding-DNA position 173, T replaced by C.
Protein change: p.Val58Ala; replaces valine 58 with alanine.
Molecular consequence: missense variant. On other transcripts: non-coding transcript variant (1).
Genome position (GRCh38, 1-based): chr7:96,277,235, A>G on the plus strand (T>C on the coding strand, the complement: SLC25A13 is on the minus strand). VCF-style: chr7-96277235-A-G. GRCh37 (hg19) VCF-style: chr7-95906547-A-G.
Other names: c.173T>C, p.Val58Ala (NM_001160210.2); short protein forms V58A.
Identifiers: ClinVar variation 1053384 (VCV001053384.7), dbSNP rs1397231627, ClinGen allele CA368406524.
Genomic context (GRCh38, chr7:96,277,235, plus strand): 5'-AATAATTAAAAATAAACATACCCATCTTTGGTCTGATCCACCACTCCACTTAAAAGTTCC[A>G]CAGTCTTTGGATTAGGCTGGCTTTCTCCAAAAATGTTCAAGTATCGAGTGACAAAGTCAT-3'
Protein context (NP_055066.1, residues 48-68): FGESQPNPKT[Val58Ala]ELLSGVVDQT